The following is an entry in ClinVar:

ClinVar aggregate classification (germline): Uncertain significance (1 of 4 stars; one submission).

gnomAD v4.1: 1 of 1,612,354 alleles (0.000062%); highest among the groups gnomAD compares: Non-Finnish European, 0.000085%; no homozygotes.

Submission:

Labcorp Genetics (formerly Invitae), Labcorp
Classification: Uncertain significance. Last evaluated: 2024-11-07. Review status: criteria provided, single submitter. Criteria: Invitae Variant Classification Sherloc (09022015). Collection method: clinical testing. Allele origin: germline.
Comment: This sequence change falls in intron 27 of the CDH23 gene. It does not directly change the encoded amino acid sequence of the CDH23 protein. It affects a nucleotide within the consensus splice site. This variant is not present in population databases (gnomAD no frequency). This variant has not been reported in the literature in individuals affected with CDH23-related conditions. ClinVar contains an entry for this variant (Variation ID: 2413936). Variants that disrupt the consensus splice site are a relatively common cause of aberrant splicing (PMID: 17576681, 9536098). Algorithms developed to predict the effect of sequence changes on RNA splicing suggest that this variant may disrupt the consensus splice site. In summary, the available evidence is currently insufficient to determine the role of this variant in disease. Therefore, it has been classified as a Variant of Uncertain Significance.

Literature cited by the submitters: PubMed 17576681; PubMed 9536098.

NM_022124.6(CDH23):c.3220+5G>T

Gene: CDH23 (cadherin related 23; plus strand). Cytogenetic location: 10q22.1.
Variant type: single nucleotide variant.
Coding change: c.3220+5G>T on transcript NM_022124.6 (MANE Select); 5 bases into the intron after coding-DNA position 3220, G replaced by T.
Molecular consequence: intron variant.
Genome position (GRCh38, 1-based): chr10:71,709,216, G>T. VCF-style: chr10-71709216-G-T. GRCh37 (hg19) VCF-style: chr10-73468973-G-T.
Other names: c.3220+5G>T (NM_001171930.2).
Identifiers: ClinVar variation 2413936 (VCV002413936.6), dbSNP rs977262704, ClinGen allele CA2580081888.